The following is an entry in ClinVar:

NM_000166.6(GJB1):c.*117C>T

Gene: GJB1 (gap junction protein beta 1; plus strand). Cytogenetic location: Xq13.1.
Variant type: single nucleotide variant.
Coding change: c.*117C>T on transcript NM_000166.6 (MANE Select); 117 bases downstream of the stop codon, C replaced by T.
Molecular consequence: 3 prime UTR variant.
Genome position (GRCh38, 1-based): chrX:71,224,676, C>T. VCF-style: chrX-71224676-C-T. GRCh37 (hg19) VCF-style: chrX-70444526-C-T.
Other names: c.*117C>T (NM_001097642.3).
Identifiers: ClinVar variation 368628 (VCV000368628.9), dbSNP rs41307256, ClinGen allele CA10646366.
Genomic context (GRCh38, chrX:71,224,676, plus strand): 5'-TCCTTCTCCCCTGCCGGTGCACAGGCCTCTGCCTGCTGGGGATTACTCGATCAAAACCTT[C>T]CTTCCCTGGCTACTTCCCTTCCTCCCGGGGCCTTCCTTTTGAGGAGCTGGAGGGGTGGGG-3'

ClinVar aggregate classification (germline): Benign. Review status: criteria provided, multiple submitters, no conflicts (2 of 4 stars). 3 submissions from 3 submitters: Benign (3). Last evaluated 2018-06-26.

Conditions:
Charcot-Marie-Tooth disease X-linked dominant 1. Also called: CHARCOT-MARIE-TOOTH NEUROPATHY, X-LINKED, 1; CHARCOT-MARIE-TOOTH PERONEAL MUSCULAR ATROPHY, X-LINKED; HEREDITARY MOTOR AND SENSORY NEUROPATHY, X-LINKED; HMSN, X-LINKED; Charcot-Marie-Tooth Neuropathy X Type 1; X-linked Charcot-Marie-Tooth disease type 1. Identifiers: Orphanet 101075, MedGen C0393808, MONDO:0010549, OMIM 302800.

Allele frequency attached by ClinVar (database versions not stated): gnomAD exomes 0.02141; 1000 Genomes Project 0.02570; 1000 Genomes Project 30x 0.02643; gnomAD 0.03140 and 0.03266; TOPMed 0.03540.
gnomAD v4.1: 15,946 of 684,992 alleles (2.3%); highest among the groups gnomAD compares: African/African-American, 6.6%; 220 homozygotes.

Submissions (3):

GeneDx
Classification: Benign. Last evaluated: 2018-06-26. Review status: criteria provided, single submitter. Criteria: GeneDx Variant Classification Process June 2021. Collection method: clinical testing. Allele origin: germline. Affected: yes.

Illumina Laboratory Services, Illumina
Classification: Benign for Charcot-Marie-Tooth disease X-linked dominant 1. Last evaluated: 2017-04-27. Review status: criteria provided, single submitter. Criteria: ICSL Variant Classification Criteria 13 December 2019. Collection method: clinical testing. Allele origin: germline.
Comment: This variant was observed as part of a predisposition screen in an ostensibly healthy population. A literature search was performed for the gene, cDNA change, and amino acid change (where applicable). No publications were found based on this search. Allele frequency data from public databases was too high to be consistent with this variant causing disease. Therefore, this variant is classified as benign.

Breakthrough Genomics
Classification: Benign. Review status: criteria provided, single submitter. Criteria: ACMG Guidelines, 2015. Collection method: not provided. Allele origin: germline. Inheritance: X-linked inheritance. Affected: yes.